The following is an entry in ClinVar:

ClinVar aggregate classification (germline): Uncertain significance (1 of 4 stars; one submission).

Allele frequency attached by ClinVar (database versions not stated): gnomAD exomes below 0.00001; ExAC 0.00001; TOPMed 0.00001.
gnomAD v4.1: 1 of 1,614,070 alleles (0.000062%); highest among the groups gnomAD compares: South Asian, 0.0011%; no homozygotes.

Submission:

Labcorp Genetics (formerly Invitae), Labcorp
Classification: Uncertain significance. Last evaluated: 2022-03-03. Review status: criteria provided, single submitter. Criteria: Invitae Variant Classification Sherloc (09022015). Collection method: clinical testing. Allele origin: germline.
Comment: This sequence change replaces asparagine, which is neutral and polar, with aspartic acid, which is acidic and polar, at codon 1760 of the VCAN protein (p.Asn1760Asp). This variant is present in population databases (rs745801170, gnomAD 0.003%). This variant has not been reported in the literature in individuals affected with VCAN-related conditions. Algorithms developed to predict the effect of missense changes on protein structure and function output the following: SIFT: "Tolerated"; PolyPhen-2: "Benign"; Align-GVGD: "Class C0". The aspartic acid amino acid residue is found in multiple mammalian species, which suggests that this missense change does not adversely affect protein function. In summary, the available evidence is currently insufficient to determine the role of this variant in disease. Therefore, it has been classified as a Variant of Uncertain Significance.

NM_004385.5(VCAN):c.5278A>G (p.Asn1760Asp)

Genes: VCAN (versican; plus strand), VCAN-AS1 (VCAN antisense RNA 1; minus strand). Cytogenetic location: 5q14.3.
Variant type: single nucleotide variant.
Coding change: c.5278A>G on transcript NM_004385.5 (MANE Select); coding-DNA position 5278, A replaced by G.
Protein change: p.Asn1760Asp; replaces asparagine 1760 with aspartic acid.
Molecular consequence: missense variant. On other transcripts: intron variant (2).
Genome position (GRCh38, 1-based): chr5:83,538,281, A>G. VCF-style: chr5-83538281-A-G. GRCh37 (hg19) VCF-style: chr5-82834100-A-G.
Other names: c.2317A>G, p.Asn773Asp (NM_001164097.2); c.4004-7256A>G (NM_001164098.2); c.1043-7256A>G (NM_001126336.3); short protein forms N1760D, N773D.
Identifiers: ClinVar variation 1443176 (VCV001443176.8), dbSNP rs745801170, ClinGen allele CA3333306.